The following is an entry in ClinVar:

NM_024426.6(WT1):c.244A>G (p.Asn82Asp)

Genes: WT1 (WT1 transcription factor; minus strand), LOC107982234 (WT1/WT1-AS bi-directional promoter region; plus strand). Cytogenetic location: 11p13.
Variant type: single nucleotide variant.
Coding change: c.244A>G on transcript NM_024426.6 (MANE Select); coding-DNA position 244, A replaced by G.
Protein change: p.Asn82Asp; replaces asparagine 82 with aspartic acid.
Molecular consequence: missense variant. On other transcripts: non-coding transcript variant (2).
Genome position (GRCh38, 1-based): chr11:32,435,117, T>C on the plus strand (A>G on the coding strand, the complement: WT1 is on the minus strand). VCF-style: chr11-32435117-T-C. GRCh37 (hg19) VCF-style: chr11-32456663-T-C.
Other names: c.244A>G, p.Asn82Asp (NM_000378.6, NM_001407044.1, NM_001407045.1 and 6 more transcripts); c.229A>G, p.Asn77Asp (NM_024425.2); short protein forms N77D, N82D.
Identifiers: ClinVar variation 2943297 (VCV002943297.3), dbSNP rs2494485674, ClinGen allele CA379966082.

ClinVar aggregate classification (germline): Uncertain significance (1 of 4 stars; one submission).

Conditions:
Frasier syndrome. Identifiers: Orphanet 347, MedGen C0950122, MeSH D052159, MONDO:0007635, OMIM 136680.
Drash syndrome (DDS). Also called: NEPHROPATHY, WILMS TUMOR, AND GENITAL ANOMALIES; WILMS TUMOR AND PSEUDO- OR TRUE HERMAPHRODITISM. Identifiers: Orphanet 220, MedGen C0950121, MONDO:0008682, OMIM 194080.
Wilms tumor 1 (WT1). Also called: Wilms tumor, somatic. Identifiers: Orphanet 654, MedGen CN033288, MONDO:0008679, OMIM 194070.
11p partial monosomy syndrome (WAGR). Also called: CHROMOSOME 11p13 DELETION SYNDROME; WAGR syndrome; WAGR Complex; WAGR Spectrum Disorder. Identifiers: Orphanet 893, MedGen C0206115, MONDO:0008681, OMIM 194072.

Submission:

Labcorp Genetics (formerly Invitae), Labcorp
Classification: Uncertain significance for Wilms tumor 1; Drash syndrome; 11p partial monosomy syndrome; Frasier syndrome. Last evaluated: 2025-06-02. Review status: criteria provided, single submitter. Criteria: Invitae Variant Classification Sherloc (09022015). Collection method: clinical testing. Allele origin: germline.
Comment: This sequence change replaces asparagine, which is neutral and polar, with aspartic acid, which is acidic and polar, at codon 77 of the WT1 protein (p.Asn77Asp). This variant is not present in population databases (gnomAD no frequency). This variant has not been reported in the literature in individuals affected with WT1-related conditions. ClinVar contains an entry for this variant (Variation ID: 2943297). Invitae Evidence Modeling of protein sequence and biophysical properties (such as structural, functional, and spatial information, amino acid conservation, physicochemical variation, residue mobility, and thermodynamic stability) indicates that this missense variant is not expected to disrupt WT1 protein function with a negative predictive value of 95%. In summary, the available evidence is currently insufficient to determine the role of this variant in disease. Therefore, it has been classified as a Variant of Uncertain Significance.